The following is an entry in ClinVar:

NM_012463.4(ATP6V0A2):c.*1837T>C

Gene: ATP6V0A2 (ATPase H+ transporting V0 subunit a2; plus strand). Cytogenetic location: 12q24.31.
Variant type: single nucleotide variant.
Coding change: c.*1837T>C on transcript NM_012463.4 (MANE Select); 1837 bases downstream of the stop codon, T replaced by C.
Molecular consequence: 3 prime UTR variant.
Genome position (GRCh38, 1-based): chr12:123,759,869, T>C. VCF-style: chr12-123759869-T-C. GRCh37 (hg19) VCF-style: chr12-124244416-T-C.
Identifiers: ClinVar variation 883248 (VCV000883248.4), dbSNP rs115183932, ClinGen allele CA245167254.

ClinVar aggregate classification (germline): Benign (1 of 4 stars; one submission).

Conditions:
Cutis laxa with osteodystrophy (ARCL2A). Also called: CUTIS LAXA WITH CONGENITAL DISORDER OF GLYCOSYLATION; Autosomal recessive cutis laxa type 2A; CUTIS LAXA, AUTOSOMAL RECESSIVE, TYPE IIA; Debré-Type Cutis Laxa; CUTIS LAXA WITH BONE DYSTROPHY; CUTIS LAXA WITH GROWTH AND DEVELOPMENTAL DELAY. Identifiers: Orphanet 357058, MedGen C0268355, MONDO:0018163, OMIM 219200. Disease mechanism: loss of function.

Allele frequency attached by ClinVar (database versions not stated): TOPMed 0.00809; 1000 Genomes Project 0.00859; gnomAD 0.00701 and 0.00749.

Submission:

Illumina Laboratory Services, Illumina
Classification: Benign for Cutis laxa with osteodystrophy. Last evaluated: 2018-01-13. Review status: criteria provided, single submitter. Criteria: ICSL Variant Classification Criteria 13 December 2019. Collection method: clinical testing. Allele origin: germline.
Comment: This variant was observed in the ICSL laboratory as part of a predisposition screen in an ostensibly healthy population. It had not been previously curated by ICSL or reported in the Human Gene Mutation Database (HGMD: prior to June 1st, 2018), and was therefore a candidate for classification through an automated scoring system. Utilizing variant allele frequency, disease prevalence and penetrance estimates, and inheritance mode, an automated score was calculated to assess if this variant is too frequent to cause the disease. Based on the score and internal cut-off values, a variant classified as benign is not then subjected to further curation. The score for this variant resulted in a classification of benign for this disease.